The following is an entry in ClinVar:

ClinVar aggregate classification (germline): Conflicting classifications of pathogenicity. Review status: criteria provided, conflicting classifications (1 of 4 stars). 7 submissions from 7 submitters: Pathogenic (1); Likely pathogenic (1); Uncertain significance (2). 3 of the submissions do not count toward it. Last evaluated 2026-05-05.

Conditions:
PPT1-related disorder. Also called: PPT1-related condition.
Neuronal ceroid lipofuscinosis. Also called: Neuronal Ceroid Lipofuscinoses. Identifiers: Orphanet 216, Orphanet 79263, MedGen C0027877, MONDO:0016295. Disease mechanism: loss of function.
Neuronal ceroid lipofuscinosis 1 (CLN1). Also called: PPT1-Related Neuronal Ceroid-Lipofuscinosis; CEROID LIPOFUSCINOSIS, NEURONAL, 1, VARIABLE AGE AT ONSET. Identifiers: Orphanet 228329, MedGen C1850451, MONDO:0009744, OMIM 256730.

Allele frequency attached by ClinVar (database versions not stated): gnomAD exomes below 0.00001 and 0.00001; TOPMed below 0.00001; gnomAD 0.00001; ExAC 0.00002.
gnomAD v4.1: 5 of 1,613,994 alleles (0.00031%); highest among the groups gnomAD compares: East Asian, 0.0089%; no homozygotes.

Submissions (7):

Myriad Genetics, Inc.
Classification: Uncertain significance for Neuronal ceroid lipofuscinosis 1. Last evaluated: 2026-05-05. Review status: criteria provided, single submitter. Criteria: Myriad Autosomal Dominant, Autosomal Recessive and X-Linked Classification Criteria (2023). Collection method: clinical testing. Allele origin: unknown.
Comment: NM_000310.3(PPT1):c.272A>C(Q91P) is a missense variant classified as a variant of uncertain significance in the context of neuronal ceroid lipofuscinosis, PPT1-related. Q91P has been observed in cases with relevant disease (PMID: 17044973, 39653353). Relevant functional assessments of this variant are not available in the literature. Q91P has been observed in referenced population frequency databases. In summary, there is insufficient evidence to classify NM_000310.3(PPT1):c.272A>C(Q91P) as pathogenic or benign. Please note: this variant was assessed in the context of healthy population screening.

Labcorp Genetics (formerly Invitae), Labcorp
Classification: Pathogenic for Neuronal ceroid lipofuscinosis 1. Last evaluated: 2026-01-13. Review status: criteria provided, single submitter. Criteria: Invitae Variant Classification Sherloc (09022015). Collection method: clinical testing. Allele origin: germline.
Comment: This sequence change replaces glutamine, which is neutral and polar, with proline, which is neutral and non-polar, at codon 91 of the PPT1 protein (p.Gln91Pro). This variant is present in population databases (rs386833639, gnomAD 0.02%). This missense change has been observed in individual(s) with neuronal ceroid lipofuscinosis (PMID: 17044973; internal data). In at least one individual the data is consistent with being in trans (on the opposite chromosome) from a pathogenic variant. ClinVar contains an entry for this variant (Variation ID: 56187). Invitae Evidence Modeling of protein sequence and biophysical properties (such as structural, functional, and spatial information, amino acid conservation, physicochemical variation, residue mobility, and thermodynamic stability) indicates that this missense variant is expected to disrupt PPT1 protein function with a positive predictive value of 95%. For these reasons, this variant has been classified as Pathogenic.

PreventionGenetics, part of Exact Sciences
Classification: Uncertain significance for PPT1-related condition. Last evaluated: 2025-10-20. Review status: criteria provided, single submitter. Criteria: ACMG Guidelines, 2015. Collection method: clinical testing. Allele origin: germline.
Comment: The PPT1 c.272A>C variant is predicted to result in the amino acid substitution p.Gln91Pro. This variant has been reported in the homozygous state in an individual with infantile neuronal ceroid lipofuscinosis, infantile (Bi et al. 2006. PubMed ID: 17044973). This variant has not been reported in a large population database (gnomAD), indicating this variant is rare. Although we suspect that this variant may be pathogenic, at this time, the clinical significance of this variant is uncertain due to the absence of conclusive functional and genetic evidence.

Women's Health and Genetics/Laboratory Corporation of America, LabCorp
Classification: Likely pathogenic for Neuronal ceroid lipofuscinosis. Last evaluated: 2025-08-28. Review status: criteria provided, single submitter. Criteria: LabCorp Variant Classification Summary - May 2015. Collection method: clinical testing. Allele origin: germline.
Comment: Variant summary: PPT1 c.272A>C (p.Gln91Pro) results in a non-conservative amino acid change in the encoded protein sequence. Algorithms developed to predict the effect of missense changes on protein structure and function all suggest that this variant is likely to be disruptive. The variant allele was found at a frequency of 1.2e-05 in 251460 control chromosomes. c.272A>C has been observed in the homozygous and presumed compound heterozygous state in at least 2 individuals affected with clinical features of Neuronal Ceroid-Lipofuscinosis (e.g., Bi_2006, Labcorp Genetics (formerly Invitae)). These data indicate that the variant may be associated with disease. To our knowledge, no experimental evidence demonstrating an impact on protein function has been reported. The following publication has been ascertained in the context of this evaluation (PMID: 17044973). ClinVar contains an entry for this variant (Variation ID: 56187). Based on the evidence outlined above, the variant was classified as likely pathogenic.

Natera, Inc.
Classification: Uncertain significance for Neuronal ceroid lipofuscinosis 1. Last evaluated: 2020-04-17. Review status: no assertion criteria provided. Collection method: clinical testing. Allele origin: germline. Not counted in ClinVar's aggregate classification.

Counsyl
Classification: Uncertain significance for Neuronal ceroid lipofuscinosis 1. Last evaluated: 2018-04-25. Review status: no assertion criteria provided. Collection method: clinical testing. Allele origin: unknown. Not counted in ClinVar's aggregate classification.

Juha Muilu Group; Institute for Molecular Medicine Finland (FIMM)
Classification: Likely pathogenic for Ceroid lipofuscinosis neuronal 1. Review status: no assertion criteria provided. Collection method: not provided. Allele origin: unknown. Not counted in ClinVar's aggregate classification.
Comment: FinDis database variant: This variant was not found or characterized by our laboratory, data were collected from public sources: see reference
ClinVar note: Converted during submission from probable-pathogenic to Likely pathogenic.

Literature cited by the submitters: PubMed 17044973 (cited by 4 submitters); PubMed 39653353 (cited by Myriad Genetics, Inc.).

NM_000310.4(PPT1):c.272A>C (p.Gln91Pro)

Gene: PPT1 (palmitoyl-protein thioesterase 1; minus strand). Cytogenetic location: 1p34.2.
Variant type: single nucleotide variant.
Coding change: c.272A>C on transcript NM_000310.4 (MANE Select); coding-DNA position 272, A replaced by C.
Protein change: p.Gln91Pro; replaces glutamine 91 with proline.
Molecular consequence: missense variant. On other transcripts: intron variant (1).
Genome position (GRCh38, 1-based): chr1:40,092,135, T>G on the plus strand (A>C on the coding strand, the complement: PPT1 is on the minus strand). VCF-style: chr1-40092135-T-G. GRCh37 (hg19) VCF-style: chr1-40557807-T-G.
Other names: c.272A>C, p.Gln91Pro (NM_001363695.2); c.125-2623A>C (NM_001142604.2); short protein forms Q91P.
Identifiers: ClinVar variation 56187 (VCV000056187.17), dbSNP rs386833639, ClinGen allele CA263490.
Genomic context (GRCh38, chr1:40,092,135, plus strand): 5'-GCATTGTAGCCTTGCTGCAATTTAGGATCCTTAGCAAGTGCCTGACACACTGTTGTTACT[T>G]GGGAATTGACATTCAAGAAGAAGCTGTTCTCCACGTCCTAAAAAAGAAGCCAGAGAGAAG-3'
Protein context (NP_000301.1, residues 81-101): ENSFFLNVNS[Gln91Pro]VTTVCQALAK